The following is an entry in ClinVar:

ClinVar aggregate classification (germline): Uncertain significance (1 of 4 stars; one submission).

Conditions:
Leber congenital amaurosis 8 (LCA8). Identifiers: Orphanet 65, MedGen C3151202, MONDO:0013453, OMIM 613835.
Retinitis pigmentosa 12 (RP12). Also called: RP WITH OR WITHOUT PRESERVED PARAARTERIOLE RETINAL PIGMENT EPITHELIUM; RETINITIS PIGMENTOSA WITH OR WITHOUT PARAARTERIOLAR PRESERVATION OF RETINAL PIGMENT EPITHELIUM; RP WITH OR WITHOUT PPRPE. Identifiers: Orphanet 791, MedGen C1838647, MONDO:0010818, OMIM 600105.

Allele frequency attached by ClinVar (database versions not stated): gnomAD exomes below 0.00001; ExAC 0.00001.
gnomAD v4.1: 1 of 1,611,086 alleles (0.000062%); highest among the groups gnomAD compares: Admixed American, 0.0017%; no homozygotes.

Submission:

Labcorp Genetics (formerly Invitae), Labcorp
Classification: Uncertain significance for Leber congenital amaurosis 8; Retinitis pigmentosa 12. Last evaluated: 2021-11-02. Review status: criteria provided, single submitter. Criteria: Invitae Variant Classification Sherloc (09022015). Collection method: clinical testing. Allele origin: germline.
Comment: In summary, the available evidence is currently insufficient to determine the role of this variant in disease. Therefore, it has been classified as a Variant of Uncertain Significance. Advanced modeling of protein sequence and biophysical properties (such as structural, functional, and spatial information, amino acid conservation, physicochemical variation, residue mobility, and thermodynamic stability) performed at Invitae indicates that this missense variant is not expected to disrupt CRB1 protein function. This variant has not been reported in the literature in individuals affected with CRB1-related conditions. This variant is present in population databases (rs753102573, gnomAD 0.003%). This sequence change replaces isoleucine, which is neutral and non-polar, with valine, which is neutral and non-polar, at codon 1215 of the CRB1 protein (p.Ile1215Val).

NM_201253.3(CRB1):c.3643A>G (p.Ile1215Val)

Gene: CRB1 (crumbs cell polarity complex component 1; plus strand). Cytogenetic location: 1q31.3.
Variant type: single nucleotide variant.
Coding change: c.3643A>G on transcript NM_201253.3 (MANE Select); coding-DNA position 3643, A replaced by G.
Protein change: p.Ile1215Val; replaces isoleucine 1215 with valine.
Molecular consequence: missense variant. On other transcripts: non-coding transcript variant (2), intron variant (1).
Genome position (GRCh38, 1-based): chr1:197,435,506, A>G. VCF-style: chr1-197435506-A-G. GRCh37 (hg19) VCF-style: chr1-197404636-A-G.
Other names: c.3307A>G, p.Ile1103Val (NM_001193640.2); c.3571A>G, p.Ile1191Val (NM_001257965.2); c.2129-94A>G (NM_001257966.2); short protein forms I1191V, I1215V, I1103V.
Identifiers: ClinVar variation 1390815 (VCV001390815.6), dbSNP rs753102573, ClinGen allele CA1312370.
Genomic context (GRCh38, chr1:197,435,506, plus strand): 5'-GTTGCAGCCTACCACTGCACATGTGAGCCTGGATACACTGGTGTGAACTGTGAAGTGGAT[A>G]TAGACAACTGCCAGAGTCACCAGTGTGCAAATGGAGCCACCTGCATTAGTCATACTAATG-3'
Protein context (NP_957705.1, residues 1205-1225): GYTGVNCEVD[Ile1215Val]DNCQSHQCAN